The following is an entry in ClinVar:

NM_006031.6(PCNT):c.4584G>A (p.Glu1528=)

Gene: PCNT (pericentrin; plus strand). Cytogenetic location: 21q22.3.
Variant type: single nucleotide variant.
Coding change: c.4584G>A on transcript NM_006031.6 (MANE Select); coding-DNA position 4584, G replaced by A.
Protein change: p.Glu1528=; no amino-acid change (glutamic acid 1528 retained).
Molecular consequence: synonymous variant.
Genome position (GRCh38, 1-based): chr21:46,398,255, G>A. VCF-style: chr21-46398255-G-A. GRCh37 (hg19) VCF-style: chr21-47818169-G-A.
Other names: c.4230G>A, p.Glu1410= (NM_001315529.2).
Identifiers: ClinVar variation 2632078 (VCV002632078.1), dbSNP rs2518620368, ClinGen allele CA512742313.

ClinVar aggregate classification (germline): Uncertain significance (1 of 4 stars; one submission).

Conditions:
PCNT-related disorder. Also called: PCNT-related condition.

Submission:

PreventionGenetics, part of Exact Sciences
Classification: Uncertain significance for PCNT-related condition. Last evaluated: 2023-05-09. Review status: criteria provided, single submitter. Criteria: ACMG Guidelines, 2015. Collection method: clinical testing. Allele origin: germline.
Comment: The PCNT c.4584G>A variant is not predicted to result in an amino acid change (p.=). To our knowledge, this variant has not been reported in the literature or in a large population database, indicating this variant is rare. This variant is predicted to alter splicing based on available splicing prediction programs (Alamut Visual v1.6.1). However, the use of computer prediction programs is not equivalent to functional evidence. At this time, the clinical significance of this variant is uncertain due to the absence of conclusive functional and genetic evidence.